The following is an entry in ClinVar:

ClinVar aggregate classification (germline): Pathogenic/Likely pathogenic. Review status: criteria provided, multiple submitters, no conflicts (2 of 4 stars). 6 submissions from 6 submitters: Pathogenic (4); Likely pathogenic (2). Last evaluated 2024-09-12.

Conditions:
Optic atrophy. Identifiers: MedGen C0029124, MONDO:0003608, HP:0000648.
Wolfram syndrome 1 (WFS1). Identifiers: Orphanet 3463, MedGen C4551693, MONDO:0009101, OMIM 222300.
WFS1-related disorder. Identifiers: MedGen CN379391, MONDO:0700293.

Allele frequency attached by ClinVar (database versions not stated): gnomAD exomes below 0.00001 and 0.00004; TOPMed 0.00001.
gnomAD v4.1: 64 of 1,613,106 alleles (0.004%); highest among the groups gnomAD compares: Non-Finnish European, 0.0053%; no homozygotes.

Submissions (6):

Blueprint Genetics
Classification: Pathogenic for WFS1-related disorders. Last evaluated: 2024-09-12. Review status: criteria provided, single submitter. Criteria: ACMG Guidelines, 2015. Collection method: clinical testing. Allele origin: germline. Affected: yes. Observed: 5 variant alleles.

Labcorp Genetics (formerly Invitae), Labcorp
Classification: Pathogenic. Last evaluated: 2024-06-04. Review status: criteria provided, single submitter. Criteria: Invitae Variant Classification Sherloc (09022015). Collection method: clinical testing. Allele origin: germline.
Comment: This sequence change replaces glutamic acid, which is acidic and polar, with glycine, which is neutral and non-polar, at codon 202 of the WFS1 protein (p.Glu202Gly). This variant is present in population databases (no rsID available, gnomAD 0.0009%). This missense change has been observed in individual(s) with autosomal recessive Wolfram syndrome (PMID: 23981289, 24117146, 28432734, 32179840; external communication). In at least one individual the data is consistent with being in trans (on the opposite chromosome) from a pathogenic variant. ClinVar contains an entry for this variant (Variation ID: 420050). Advanced modeling of protein sequence and biophysical properties (such as structural, functional, and spatial information, amino acid conservation, physicochemical variation, residue mobility, and thermodynamic stability) has been performed at Invitae for this missense variant, however the output from this modeling did not meet the statistical confidence thresholds required to predict the impact of this variant on WFS1 protein function. For these reasons, this variant has been classified as Pathogenic.

Victorian Clinical Genetics Services, Murdoch Childrens Research Institute
Classification: Pathogenic for Wolfram syndrome 1. Last evaluated: 2023-07-16. Review status: criteria provided, single submitter. Criteria: ACMG Guidelines, 2015. Collection method: clinical testing. Allele origin: germline. Inheritance: Autosomal recessive inheritance. Affected: yes.
Comment: Based on the classification scheme VCGS_Germline_v1.3.4, this variant is classified as Pathogenic. Following criteria are met: 0102 - Loss of function is a known mechanism of disease in this gene and is associated with autosomal recessive Wolfram syndrome (MIM#222300). Dominant-negative is suggested for heterozygous missense variants causing autosomal dominant Wolfram-like syndrome (MIM#614296) (PMID: 32219690). (I) 0108 - This gene is associated with both recessive and dominant disease. Both deafness 6/14/38 (MIM#600965) and Wolfram-like syndrome (MIM#614296) are inherited in an autosomal dominant manner while Wolfram syndrome 1 (MIM#222300) is autosomal recessive. A clear genotype-phenotype correlation is currently unestablished. (I) 0200 - Variant is predicted to result in a missense amino acid change from glutamic acid to glycine. (I) 0251 - This variant is heterozygous. (I) 0304 - Variant is present in gnomAD <0.01 (v2: 1 heterozygote, 0 homozygotes). (SP) 0309 - An alternative amino acid change at the same position has been observed in gnomAD (v2: 1 heterozygote, 0 homozygotes) . (I) 0501 - Missense variant consistently predicted to be damaging by multiple in silico tools or highly conserved with a major amino acid change. (SP) 0600 - Variant is located in the annotated Wolframin EF-hand domain (DECIPHER). (I) 0705 - No comparable missense variants have previous evidence for pathogenicity. (I) 0801 - This variant has strong previous evidence of pathogenicity in unrelated individuals. It has been reported in several homozygous or compound heterozygous families with autosomal recessive Wolfram syndrome (MIM#222300) (PMIDs: 23981289, 24117146, 28432734,34970515). It is also classified as likely pathogenic and pathogenic by diagnostic laboratories in ClinVar. (SP) 1007 - No published functional evidence has been identified for this variant. (I) 1201 - Heterozygous variant detected in trans with a second pathogenic heterozygous variant (NM_006005.3:c.505G>A; p(Glu169Lys)) in a recessive disease. (SP) 1208 - Inheritance information for this variant is not currently available in this individual. (I) Legend: (SP) - Supporting pathogenic, (I) - Information, (SB) - Supporting benign

GeneDx
Classification: Likely pathogenic. Last evaluated: 2023-05-31. Review status: criteria provided, single submitter. Criteria: GeneDx Variant Classification Process June 2021. Collection method: clinical testing. Allele origin: germline. Affected: yes.
Comment: Not observed at significant frequency in large population cohorts (gnomAD); In silico analysis supports that this missense variant has a deleterious effect on protein structure/function; This variant is associated with the following publications: (PMID: 29517769, 24117146, 28432734, 32179840, Mishra2021[Review], 23981289, 34970515, 26025012, 36227502, 35452662)

Women's Health and Genetics/Laboratory Corporation of America, LabCorp
Classification: Pathogenic for Wolfram syndrome 1. Last evaluated: 2022-11-19. Review status: criteria provided, single submitter. Criteria: LabCorp Variant Classification Summary - May 2015. Collection method: clinical testing. Allele origin: germline.
Comment: Variant summary: WFS1 c.605A>G (p.Glu202Gly) results in a non-conservative amino acid change located in the Wolframin, EF-hand domain (IPR045460) of the encoded protein sequence. Four of five in-silico tools predict a damaging effect of the variant on protein function. The variant allele was found at a frequency of 4e-06 in 249574 control chromosomes. c.605A>G has been reported in the literature as biallelic homozygous or compound heterozygous genotypes in multiple individuals affected with features of Wolfram Syndrome 1 (example, Marshall_2013, Piccinno_2014, Bischoff_2015, Astuti_2017, La Morgia_2020, Frontino_2021). These data indicate that the variant is very likely to be associated with disease. To our knowledge, no variant specific experimental evidence demonstrating an impact on protein function has been reported. Two clinical diagnostic laboratories have submitted clinical-significance assessments for this variant to ClinVar after 2014 without evidence for independent evaluation. All laboratories classified the variant as pathogenic/likely pathogenic. Based on the evidence outlined above, the variant was classified as pathogenic.

Institute of Human Genetics, Univ. Regensburg, Univ. Regensburg
Classification: Likely pathogenic for Optic atrophy. Last evaluated: 2020-01-01. Review status: criteria provided, single submitter. Criteria: ACMG Guidelines, 2015. Collection method: clinical testing. Allele origin: germline. Affected: yes.

Literature cited by the submitters: PubMed 23981289 (cited by 3 submitters); PubMed 24117146 (cited by 4 submitters); PubMed 28432734 (cited by 3 submitters); PubMed 32179840 (cited by 3 submitters); PubMed 32219690 (cited by Victorian Clinical Genetics Services, Murdoch Childrens Research Institute); PubMed 34970515 (cited by 3 submitters); PubMed 26025012 (cited by Women's Health and Genetics/Laboratory Corporation of America, LabCorp); PubMed 34258273 (cited by Women's Health and Genetics/Laboratory Corporation of America, LabCorp); PubMed 26435059 (cited by Women's Health and Genetics/Laboratory Corporation of America, LabCorp); PubMed 36227502 (cited by Institute of Human Genetics, Univ. Regensburg, Univ. Regensburg).

NM_006005.3(WFS1):c.605A>G (p.Glu202Gly)

Gene: WFS1 (wolframin ER transmembrane glycoprotein; plus strand). Cytogenetic location: 4p16.1.
Variant type: single nucleotide variant.
Coding change: c.605A>G on transcript NM_006005.3 (MANE Select); coding-DNA position 605, A replaced by G.
Protein change: p.Glu202Gly; replaces glutamic acid 202 with glycine.
Molecular consequence: missense variant.
Genome position (GRCh38, 1-based): chr4:6,291,341, A>G. VCF-style: chr4-6291341-A-G. GRCh37 (hg19) VCF-style: chr4-6293068-A-G.
Other names: c.605A>G, p.Glu202Gly (NM_001145853.1); short protein forms E202G.
Identifiers: ClinVar variation 420050 (VCV000420050.14), dbSNP rs1064794257, ClinGen allele CA16618051.
Genomic context (GRCh38, chr4:6,291,341, plus strand): 5'-TCATGTACTGGAAGCTCAACCCCAAGAAGAAGAAGCAGGTGGCCGTGGCGGAGCTGCTGG[A>G]GAATGTCGGCCAGGTCAACGAGCACGGTGCGAGGATTCACCCTGGGCACCAGCCTTCCCT-3'
Protein context (NP_005996.2, residues 192-212): KKQVAVAELL[Glu202Gly]NVGQVNEHDG